The following is an entry in ClinVar:

NM_018026.4(PACS1):c.460C>A (p.Leu154Ile)

Gene: PACS1 (phosphofurin acidic cluster sorting protein 1; plus strand). Cytogenetic location: 11q13.2.
Variant type: single nucleotide variant.
Coding change: c.460C>A on transcript NM_018026.4 (MANE Select); coding-DNA position 460, C replaced by A.
Protein change: p.Leu154Ile; replaces leucine 154 with isoleucine.
Molecular consequence: missense variant.
Genome position (GRCh38, 1-based): chr11:66,210,377, C>A. VCF-style: chr11-66210377-C-A. GRCh37 (hg19) VCF-style: chr11-65977848-C-A.
Other names: short protein forms L154I.
Identifiers: ClinVar variation 1336702 (VCV001336702.8), dbSNP rs2134698831, ClinGen allele CA381339007.

ClinVar aggregate classification (germline): Conflicting classifications of pathogenicity. Review status: criteria provided, conflicting classifications (1 of 4 stars). 3 submissions from 3 submitters: Uncertain significance (1); Likely benign (2). Last evaluated 2023-08-10.

Conditions:
Schuurs-Hoeijmakers syndrome. Also called: PACS1-Related Neurodevelopmental Disorder. Identifiers: Orphanet 329224, MedGen C3554343, MONDO:0014006, OMIM 615009.

Allele frequency attached by ClinVar (database versions not stated): gnomAD exomes 0.00001.
gnomAD v4.1: 8 of 1,613,948 alleles (0.0005%); highest among the groups gnomAD compares: South Asian, 0.0011%; no homozygotes.

Submissions (3):

Labcorp Genetics (formerly Invitae), Labcorp
Classification: Likely benign for Schuurs-Hoeijmakers syndrome. Last evaluated: 2023-08-10. Review status: criteria provided, single submitter. Criteria: Invitae Variant Classification Sherloc (09022015). Collection method: clinical testing. Allele origin: germline.

GeneDx
Classification: Uncertain significance. Last evaluated: 2023-01-27. Review status: criteria provided, single submitter. Criteria: GeneDx Variant Classification Process June 2021. Collection method: clinical testing. Allele origin: germline. Affected: yes.
Comment: Not observed at significant frequency in large population cohorts (gnomAD); In silico analysis supports that this missense variant does not alter protein structure/function; Has not been previously published as pathogenic or benign to our knowledge

Genetic Services Laboratory, University of Chicago
Classification: Likely benign. Last evaluated: 2018-10-31. Review status: criteria provided, single submitter. Criteria: ACMG Guidelines, 2015. Collection method: clinical testing. Allele origin: germline. Affected: no.